The following is an entry in ClinVar:

NM_020247.5(COQ8A):c.1398+3T>C

Gene: COQ8A (coenzyme Q8A; plus strand). Cytogenetic location: 1q42.13.
Variant type: single nucleotide variant.
Coding change: c.1398+3T>C on transcript NM_020247.5 (MANE Select); 3 bases into the intron after coding-DNA position 1398, T replaced by C.
Molecular consequence: intron variant.
Genome position (GRCh38, 1-based): chr1:226,984,238, T>C. VCF-style: chr1-226984238-T-C. GRCh37 (hg19) VCF-style: chr1-227171939-T-C.
Identifiers: ClinVar variation 1940091 (VCV001940091.3), dbSNP rs947460731, ClinGen allele CA38652020.

ClinVar aggregate classification (germline): Uncertain significance (1 of 4 stars; one submission).

Allele frequency attached by ClinVar (database versions not stated): gnomAD 0.00001; gnomAD exomes 0.00001; TOPMed 0.00001.
gnomAD v4.1: 8 of 1,613,326 alleles (0.0005%); highest among the groups gnomAD compares: South Asian, 0.0022%; no homozygotes.

Submission:

Labcorp Genetics (formerly Invitae), Labcorp
Classification: Uncertain significance. Last evaluated: 2022-05-16. Review status: criteria provided, single submitter. Criteria: Invitae Variant Classification Sherloc (09022015). Collection method: clinical testing. Allele origin: germline.
Comment: This sequence change falls in intron 11 of the COQ8A gene. It does not directly change the encoded amino acid sequence of the COQ8A protein. It affects a nucleotide within the consensus splice site. This variant is present in population databases (no rsID available, gnomAD 0.02%). This variant has not been reported in the literature in individuals affected with COQ8A-related conditions. Variants that disrupt the consensus splice site are a relatively common cause of aberrant splicing (PMID: 17576681, 9536098). Algorithms developed to predict the effect of sequence changes on RNA splicing suggest that this variant may create or strengthen a splice site. In summary, the available evidence is currently insufficient to determine the role of this variant in disease. Therefore, it has been classified as a Variant of Uncertain Significance.

Literature cited by the submitters: PubMed 17576681; PubMed 9536098.